The following is an entry in ClinVar:

ClinVar aggregate classification (germline): Uncertain significance (1 of 4 stars; one submission).

gnomAD v4.1: 1 of 1,587,672 alleles (0.000063%); highest among the groups gnomAD compares: South Asian, 0.0012%; no homozygotes.

Submission:

Labcorp Genetics (formerly Invitae), Labcorp
Classification: Uncertain significance. Last evaluated: 2020-11-02. Review status: criteria provided, single submitter. Criteria: Invitae Variant Classification Sherloc (09022015). Collection method: clinical testing. Allele origin: germline.
Comment: In summary, the available evidence is currently insufficient to determine the role of this variant in disease. Therefore, it has been classified as a Variant of Uncertain Significance. Algorithms developed to predict the effect of missense changes on protein structure and function (SIFT, PolyPhen-2, Align-GVGD) all suggest that this variant is likely to be tolerated, but these predictions have not been confirmed by published functional studies and their clinical significance is uncertain. This variant has not been reported in the literature in individuals with RDH11-related conditions. This variant is not present in population databases (ExAC no frequency). This sequence change replaces leucine with valine at codon 70 of the RDH11 protein (p.Leu70Val). The leucine residue is weakly conserved and there is a small physicochemical difference between leucine and valine.

NM_016026.4(RDH11):c.208T>G (p.Leu70Val)

Genes: GPHN (gephyrin; plus strand), RDH11 (retinol dehydrogenase 11; minus strand). Cytogenetic location: 14q24.1.
Variant type: single nucleotide variant.
Coding change: c.208T>G on transcript NM_016026.4 (MANE Select); coding-DNA position 208, T replaced by G.
Protein change: p.Leu70Val; replaces leucine 70 with valine.
Molecular consequence: missense variant.
Genome position (GRCh38, 1-based): chr14:67,692,579, A>C on the plus strand (T>G on the coding strand, the complement: RDH11 is on the minus strand). VCF-style: chr14-67692579-A-C. GRCh37 (hg19) VCF-style: chr14-68159296-A-C.
Other names: c.208T>G, p.Leu70Val (NM_001252650.2); short protein forms L70V.
Identifiers: ClinVar variation 1520574 (VCV001520574.8), dbSNP rs752899978, ClinGen allele CA390136864.